The following is an entry in ClinVar:

ClinVar aggregate classification (germline): Pathogenic/Likely pathogenic. Review status: criteria provided, multiple submitters, no conflicts (2 of 4 stars). 12 submissions from 12 submitters: Pathogenic (8); Likely pathogenic (1). 3 of the submissions do not count toward it. Last evaluated 2026-01-26.

Conditions:
Rothmund-Thomson syndrome type 2 (RTS2). Identifiers: Orphanet 221016, MedGen C5203410, MONDO:0016369, OMIM 268400.
Rapadilino syndrome. Identifiers: Orphanet 3021, MedGen C1849453, MONDO:0009955, OMIM 266280.
Baller-Gerold syndrome (BGS). Also called: CRANIOSYNOSTOSIS WITH RADIAL DEFECTS. Identifiers: Orphanet 1225, MedGen C0265308, MONDO:0009039, OMIM 218600.
RECQL4-related disorder. Also called: RECQL4-related condition; RECQL4-related disorders.

Allele frequency attached by ClinVar (database versions not stated): ESP Exome Variant Server 0.00008; gnomAD exomes 0.00008 and 0.00013; TOPMed 0.00008; ExAC 0.00010; gnomAD 0.00012 and 0.00013.

Submissions (12):

Labcorp Genetics (formerly Invitae), Labcorp
Classification: Pathogenic for Baller-Gerold syndrome. Last evaluated: 2026-01-26. Review status: criteria provided, single submitter. Criteria: Invitae Variant Classification Sherloc (09022015). Collection method: clinical testing. Allele origin: germline.
Comment: This sequence change creates a premature translational stop signal (p.Arg350Glyfs*21) in the RECQL4 gene. It is expected to result in an absent or disrupted protein product. Loss-of-function variants in RECQL4 are known to be pathogenic (PMID: 12734318, 12952869). This variant is present in population databases (rs746636748, gnomAD 0.02%). This premature translational stop signal has been observed in individual(s) with Rothmund-Thomson syndrome (PMID: 12734318, 18716613, 21143835, 25120469, 28039508). This variant is also known as g.1798delAG. ClinVar contains an entry for this variant (Variation ID: 197759). For these reasons, this variant has been classified as Pathogenic.

GeneDx
Classification: Pathogenic. Last evaluated: 2025-02-14. Review status: criteria provided, single submitter. Criteria: GeneDx Variant Classification Process June 2021. Collection method: clinical testing. Allele origin: germline. Affected: yes.
Comment: Frameshift variant predicted to result in protein truncation or nonsense mediated decay in a gene for which loss-of-function is a known mechanism of disease; This variant is associated with the following publications: (PMID: 29642415, 34426522, 31589614, 18504617, 25120469, 29625052, 33718801, 21143835, 35346574, 36451132, 18716613, 28492532, 32769558, 12734318, 28039508, 27247962, 34964962)

CeGaT Center for Human Genetics Tuebingen
Classification: Pathogenic. Last evaluated: 2024-05-01. Review status: criteria provided, single submitter. Criteria: CeGaT Center For Human Genetics Tuebingen Variant Classification Criteria Version 2. Collection method: clinical testing. Allele origin: germline. Affected: yes. Observed: 2 variant alleles.
Comment: RECQL4: PVS1, PM2, PM3

Blueprint Genetics
Classification: Pathogenic for RECQL4-related disorders. Last evaluated: 2023-10-16. Review status: criteria provided, single submitter. Criteria: ACMG Guidelines, 2015. Collection method: clinical testing. Allele origin: germline. Affected: yes. Observed: 5 variant alleles.

St. Jude Molecular Pathology, St. Jude Children's Research Hospital
Classification: Pathogenic for Rothmund-Thomson syndrome type 2. Last evaluated: 2022-09-21. Review status: criteria provided, single submitter. Criteria: St. Jude Assertion Criteria 2020. Collection method: clinical testing. Allele origin: germline.
Comment: The RECQL4 c.1048_1049del (p.Arg350GlyfsTer21) change removes two nucleotides to cause a frameshift and the creation of a premature stop codon. This change is predicted to cause protein truncation or absence of the protein due to nonsense mediated decay. This variant has a maximum subpopulation frequency of 0.021% in gnomAD v2.1.1. This variant has been reported in the literature as compound heterozygous in individuals with Rothmund–Thomson syndrome (PMID: 18716613, 21143835, 25120469, 28039508). In summary, this variant meets criteria to be classified as pathogenic.

Fulgent Genetics
Classification: Pathogenic for Baller-Gerold syndrome; Rapadilino syndrome; Rothmund-Thomson syndrome type 2. Last evaluated: 2022-04-07. Review status: criteria provided, single submitter. Criteria: ACMG Guidelines, 2015. Collection method: clinical testing. Allele origin: unknown.

Greenwood Genetic Center Diagnostic Laboratories, Greenwood Genetic Center
Classification: Likely pathogenic for Rothmund-Thomson syndrome type 2. Last evaluated: 2021-07-15. Review status: criteria provided, single submitter. Criteria: ACMG Guidelines, 2015. Collection method: clinical testing. Allele origin: germline. Affected: yes.
Comment: PVS1, PM2

Eurofins Ntd Llc (ga)
Classification: Pathogenic. Last evaluated: 2014-09-03. Review status: criteria provided, single submitter. Criteria: EGL Classification Definitions 2015. Collection method: clinical testing. Allele origin: germline. Observed: 1 variant allele, 1 heterozygote.

Juno Genomics, Hangzhou Juno Genomics, Inc
Classification: Pathogenic for Rothmund-Thomson syndrome type 2. Review status: criteria provided, single submitter. Criteria: ACMG Guidelines, 2015. Collection method: clinical testing. Allele origin: germline. Affected: yes.
Comment: Absent from controls (or at extremely low frequency if recessive) in Genome Aggregation Database, Exome Sequencing Project, 1000 Genomes Project, or Exome Aggregation Consortium.;Null variant in a gene where loss of function (LOF) is a known mechanism of disease.;For recessive disorders, detected in trans with a pathogenic variant.;Co-segregation with disease in multiple affected family members in a gene definitively known to cause the disease.

PreventionGenetics, part of Exact Sciences
Classification: Pathogenic for RECQL4-related condition. Last evaluated: 2024-09-12. Review status: no assertion criteria provided. Collection method: clinical testing. Allele origin: germline. Not counted in ClinVar's aggregate classification.
Comment: The RECQL4 c.1048_1049delAG variant is predicted to result in a frameshift and premature protein termination (p.Arg350Glyfs*21). This variant has been reported in the compound heterozygous state in individuals with Rothmund Thomson Syndrome (RTS) (Reported as g.1798delAG, Wang et al 2003. PubMed ID: 12734318; Siitonen et al. 2008. PubMed ID: 18716613; De Somer et al. 2010. PubMed ID: 21143835; Guerrero-González et al. 2014. PubMed ID: 25120469; van Rij MC et al 2016. PubMed ID: 28039508). This variant is reported in 0.021% of alleles in individuals of African descent in gnomAD. Frameshift variants in RECQL4 are expected to be pathogenic. This variant is interpreted as pathogenic.

Joint Genome Diagnostic Labs from Nijmegen and Maastricht, Radboudumc and MUMC+
Classification: Pathogenic. Review status: no assertion criteria provided. Collection method: clinical testing. Allele origin: germline. Affected: yes. Study: VKGL Data-share Consensus. Not counted in ClinVar's aggregate classification.

Laboratory of Diagnostic Genome Analysis, Leiden University Medical Center (LUMC)
Classification: Pathogenic. Review status: no assertion criteria provided. Collection method: clinical testing. Allele origin: germline. Affected: yes. Study: VKGL Data-share Consensus. Not counted in ClinVar's aggregate classification.

Literature cited by the submitters: PubMed 12734318 (cited by Labcorp Genetics (formerly Invitae), Labcorp); PubMed 12952869 (cited by Labcorp Genetics (formerly Invitae), Labcorp); PubMed 18716613 (cited by Labcorp Genetics (formerly Invitae), Labcorp); PubMed 21143835 (cited by Labcorp Genetics (formerly Invitae), Labcorp); PubMed 25120469 (cited by Labcorp Genetics (formerly Invitae), Labcorp); PubMed 28039508 (cited by Labcorp Genetics (formerly Invitae), Labcorp).

NM_004260.4(RECQL4):c.1048_1049del (p.Arg350fs)

Gene: RECQL4 (RecQ like helicase 4; minus strand). Cytogenetic location: 8q24.3.
Variant type: Deletion.
Coding change: c.1048_1049del on transcript NM_004260.4 (MANE Select); coding-DNA positions 1048 to 1049, 2 bases deleted (AG; older notation c.1048_1049delAG).
Protein change: p.Arg350fs; shifts the reading frame from arginine 350.
Molecular consequence: frameshift variant.
Genome position (GRCh38, 1-based): chr8:144,516,070-144,516,071, CT deleted on the plus strand (AG on the coding strand, the reverse complement: RECQL4 is on the minus strand). VCF-style (leftmost placement, unchanged base first): chr8-144516069-CCT-C. GRCh37 (hg19) VCF-style: chr8-145741453-CCT-C.
Other names: c.1048_1049delAG (NM_004260.3).
Identifiers: ClinVar variation 197759 (VCV000197759.56), dbSNP rs746636748, ClinGen allele CA275308.